The following is an entry in ClinVar:

NM_020166.5(MCCC1):c.1339G>T (p.Ala447Ser)

Gene: MCCC1 (methylcrotonyl-CoA carboxylase subunit 1; minus strand). Cytogenetic location: 3q27.1.
Variant type: single nucleotide variant.
Coding change: c.1339G>T on transcript NM_020166.5 (MANE Select); coding-DNA position 1339, G replaced by T.
Protein change: p.Ala447Ser; replaces alanine 447 with serine.
Molecular consequence: missense variant. On other transcripts: non-coding transcript variant (2).
Genome position (GRCh38, 1-based): chr3:183,039,064, C>A on the plus strand (G>T on the coding strand, the complement: MCCC1 is on the minus strand). VCF-style: chr3-183039064-C-A. GRCh37 (hg19) VCF-style: chr3-182756852-C-A.
Other names: c.988G>T, p.Ala330Ser (NM_001293273.2); c.1012G>T, p.Ala338Ser (NM_001363880.1); short protein forms A447S, A330S, A338S.
Identifiers: ClinVar variation 344307 (VCV000344307.14), dbSNP rs546480708, ClinGen allele CA2718807.
Genomic context (GRCh38, chr3:183,039,064, plus strand): 5'-GGCACGGTCTCAGATCACTCACATTGTACTGACGAAGGCTGTACCTCAGTTTTGTCAATG[C>A]CGCCTGGCGATCTGCTGCCCACACGACCAGCTTCGCAATCATGGGGTCATAATGCACGGA-3'
Protein context (NP_064551.3, residues 437-457): LVVWAADRQA[Ala447Ser]LTKLRYSLRQ

ClinVar aggregate classification (germline): Uncertain significance. Review status: criteria provided, multiple submitters, no conflicts (2 of 4 stars). 3 submissions from 3 submitters: Uncertain significance (2). 1 of the submissions does not count toward it. Last evaluated 2021-08-13.

Conditions:
3-methylcrotonyl-CoA carboxylase 1 deficiency (MCC1D). Also called: MCCD TYPE 1; METHYLCROTONYLGLYCINURIA TYPE I; MCC 1 deficiency; 3 Alpha methylcrotonylglycinuria 1. Identifiers: Orphanet 6, MedGen CN028786, MONDO:0008861, OMIM 210200.

Allele frequency attached by ClinVar (database versions not stated): TOPMed 0.00004.
gnomAD v4.1: 45 of 1,614,066 alleles (0.0028%); highest among the groups gnomAD compares: Non-Finnish European, 0.0037%; no homozygotes.

Submissions (3):

Labcorp Genetics (formerly Invitae), Labcorp
Classification: Uncertain significance for 3-methylcrotonyl-CoA carboxylase 1 deficiency. Last evaluated: 2021-08-13. Review status: criteria provided, single submitter. Criteria: Invitae Variant Classification Sherloc (09022015). Collection method: clinical testing. Allele origin: germline.
Comment: This sequence change replaces alanine with serine at codon 447 of the MCCC1 protein (p.Ala447Ser). The alanine residue is highly conserved and there is a moderate physicochemical difference between alanine and serine. This variant is present in population databases (rs546480708, ExAC 0.01%). This missense change has been observed in individual(s) with a positive newborn screening result for MCCC1-related disease (Invitae). Algorithms developed to predict the effect of missense changes on protein structure and function (SIFT, PolyPhen-2, Align-GVGD) all suggest that this variant is likely to be disruptive. In summary, the available evidence is currently insufficient to determine the role of this variant in disease. Therefore, it has been classified as a Variant of Uncertain Significance.

Illumina Laboratory Services, Illumina
Classification: Uncertain significance for 3-methylcrotonyl-CoA carboxylase 1 deficiency. Last evaluated: 2018-01-13. Review status: criteria provided, single submitter. Criteria: ICSL Variant Classification Criteria 13 December 2019. Collection method: clinical testing. Allele origin: germline.

Natera, Inc.
Classification: Uncertain significance for 3-methylcrotonyl-CoA carboxylase 1 deficiency. Last evaluated: 2021-02-23. Review status: no assertion criteria provided. Collection method: clinical testing. Allele origin: germline. Not counted in ClinVar's aggregate classification.